The following is an entry in ClinVar:

ClinVar aggregate classification (germline): Uncertain significance. Review status: criteria provided, multiple submitters, no conflicts (2 of 4 stars). 2 submissions from 2 submitters: Uncertain significance (2). Last evaluated 2025-07-15.

Conditions:
Inborn genetic diseases. Identifiers: MedGen C0950123, MeSH D030342.

Allele frequency attached by ClinVar (database versions not stated): gnomAD exomes 0.00001; ExAC 0.00001.
gnomAD v4.1: 6 of 1,614,010 alleles (0.00037%); highest among the groups gnomAD compares: Non-Finnish European, 0.00051%; no homozygotes.

Submissions (2):

Ambry Genetics
Classification: Uncertain significance for Inborn genetic diseases. Last evaluated: 2025-07-15. Review status: criteria provided, single submitter. Criteria: Ambry Variant Classification Scheme 2023. Collection method: clinical testing. Allele origin: germline.

Labcorp Genetics (formerly Invitae), Labcorp
Classification: Uncertain significance. Last evaluated: 2023-12-11. Review status: criteria provided, single submitter. Criteria: Invitae Variant Classification Sherloc (09022015). Collection method: clinical testing. Allele origin: germline.
Comment: This sequence change replaces serine, which is neutral and polar, with glycine, which is neutral and non-polar, at codon 44 of the LCT protein (p.Ser44Gly). This variant is present in population databases (rs764241747, gnomAD 0.0009%). This variant has not been reported in the literature in individuals affected with LCT-related conditions. ClinVar contains an entry for this variant (Variation ID: 2066846). Algorithms developed to predict the effect of missense changes on protein structure and function output the following: SIFT: "Not Available"; PolyPhen-2: "Benign"; Align-GVGD: "Not Available". The glycine amino acid residue is found in multiple mammalian species, which suggests that this missense change does not adversely affect protein function. In summary, the available evidence is currently insufficient to determine the role of this variant in disease. Therefore, it has been classified as a Variant of Uncertain Significance.

NM_002299.4(LCT):c.130A>G (p.Ser44Gly)

Gene: LCT (lactase; minus strand). Cytogenetic location: 2q21.3.
Variant type: single nucleotide variant.
Coding change: c.130A>G on transcript NM_002299.4 (MANE Select); coding-DNA position 130, A replaced by G.
Protein change: p.Ser44Gly; replaces serine 44 with glycine.
Molecular consequence: missense variant.
Genome position (GRCh38, 1-based): chr2:135,837,040, T>C on the plus strand (A>G on the coding strand, the complement: LCT is on the minus strand). VCF-style: chr2-135837040-T-C. GRCh37 (hg19) VCF-style: chr2-136594610-T-C.
Other names: short protein forms S44G.
Identifiers: ClinVar variation 2066846 (VCV002066846.5), dbSNP rs764241747, ClinGen allele CA1888690.
Genomic context (GRCh38, chr2:135,837,040, plus strand): 5'-AAACATACATGTCTTTGTCCCCTGCTACAAAGTTAGAACTCTGGTCTCCCAGGAGACCAC[T>C]CAGGTTGTGCAGCAAGTCATTGGTTAGAGGACCAGCGGTGGAAATGAAATTTCTATCAGA-3'
Protein context (NP_002290.2, residues 34-54): PLTNDLLHNL[Ser44Gly]GLLGDQSSNF